The following is an entry in ClinVar:

ClinVar aggregate classification (germline): Uncertain significance (1 of 4 stars; one submission).

Conditions:
Eichsfeld type congenital muscular dystrophy (CMYO3). Also called: MYOPATHY, SEPN1-RELATED; SELENON-related myopathy; Congenital myopathy 3 with rigid spine; Rigid spine muscular dystrophy 1. Identifiers: MedGen C0410180, MONDO:0100100, OMIM 602771.

Submission:

Labcorp Genetics (formerly Invitae), Labcorp
Classification: Uncertain significance for Eichsfeld type congenital muscular dystrophy. Last evaluated: 2021-05-30. Review status: criteria provided, single submitter. Criteria: Invitae Variant Classification Sherloc (09022015). Collection method: clinical testing. Allele origin: germline.
Comment: In summary, the available evidence is currently insufficient to determine the role of this variant in disease. Therefore, it has been classified as a Variant of Uncertain Significance. Algorithms developed to predict the effect of missense changes on protein structure and function (SIFT, PolyPhen-2, Align-GVGD) all suggest that this variant is likely to be tolerated, but these predictions have not been confirmed by published functional studies and their clinical significance is uncertain. This variant has not been reported in the literature in individuals with SELENON-related conditions. The frequency data for this variant in the population databases is considered unreliable, as metrics indicate insufficient coverage at this position in the ExAC database. This sequence change replaces serine with phenylalanine at codon 104 of the SELENON protein (p.Ser104Phe). The serine residue is weakly conserved and there is a large physicochemical difference between serine and phenylalanine.

NM_206926.2(SELENON):c.301+865C>T

Gene: SELENON (selenoprotein N; plus strand). Cytogenetic location: 1p36.11.
Variant type: single nucleotide variant.
Coding change: c.301+865C>T on transcript NM_206926.2 (MANE Select); 865 bases into the intron after coding-DNA position 301, C replaced by T.
Molecular consequence: intron variant. On other transcripts: missense variant (1).
Genome position (GRCh38, 1-based): chr1:25,802,025, C>T. VCF-style: chr1-25802025-C-T. GRCh37 (hg19) VCF-style: chr1-26128516-C-T.
Other names: c.311C>T, p.Ser104Phe (NM_020451.3); short protein forms S104F.
Identifiers: ClinVar variation 1494691 (VCV001494691.6), dbSNP rs2124438957, ClinGen allele CA339107464.